The following is an entry in ClinVar:

NM_001127222.2(CACNA1A):c.4520C>A (p.Ala1507Asp)

Gene: CACNA1A (calcium voltage-gated channel subunit alpha1 A; minus strand). Cytogenetic location: 19p13.13.
Variant type: single nucleotide variant.
Coding change: c.4520C>A on transcript NM_001127222.2 (MANE Select); coding-DNA position 4520, C replaced by A.
Protein change: p.Ala1507Asp; replaces alanine 1507 with aspartic acid.
Molecular consequence: missense variant.
Genome position (GRCh38, 1-based): chr19:13,257,420, G>T on the plus strand (C>A on the coding strand, the complement: CACNA1A is on the minus strand). VCF-style: chr19-13257420-G-T. GRCh37 (hg19) VCF-style: chr19-13368234-G-T.
Other names: c.4532C>A, p.Ala1511Asp (NM_000068.4, NM_023035.3); c.4523C>A, p.Ala1508Asp (NM_001127221.2, NM_001174080.2); short protein forms A1508D, A1507D, A1511D.
Identifiers: ClinVar variation 420676 (VCV000420676.3), dbSNP rs1064794629, ClinGen allele CA16620782.
Genomic context (GRCh38, chr19:13,257,420, plus strand): 5'-TCCAGGCTGTATTCCTCCATCATCTTGTCCCCTTGCTCCTGGAAGGTGATGATGATCAAG[G>T]CCACAAAGATATTGACAAAGAAGAAGGGGAACACCACAAAGTAGACGACGTAGAAAATGG-3'
Protein context (NP_001120694.1, residues 1497-1517): FPFFFVNIFV[Ala1507Asp]LIIITFQEQG

ClinVar aggregate classification (germline): Pathogenic/Likely pathogenic. Review status: criteria provided, multiple submitters, no conflicts (2 of 4 stars). 2 submissions from 2 submitters: Pathogenic (1); Likely pathogenic (1). Last evaluated 2024-05-27.

Conditions:
Developmental and epileptic encephalopathy, 42 (DEE42A). Also called: Epileptic encephalopathy, early infantile, 42; DEVELOPMENTAL AND EPILEPTIC ENCEPHALOPATHY 42A; EPILEPTIC ENCEPHALOPATHY, EARLY INFANTILE, 42A. Identifiers: MedGen C4310716, MONDO:0014917, OMIM 617106.

Submissions (2):

Laboratoire de Génétique Moléculaire, CHU Bordeaux
Classification: Pathogenic for Developmental and epileptic encephalopathy, 42. Last evaluated: 2024-05-27. Review status: criteria provided, single submitter. Criteria: ACMG Guidelines, 2015. Collection method: clinical testing. Allele origin: germline. Affected: yes.

GeneDx
Classification: Likely pathogenic. Last evaluated: 2016-04-29. Review status: criteria provided, single submitter. Criteria: GeneDx Variant Classification (06012015). Collection method: clinical testing. Allele origin: germline. Affected: yes.
Comment: The A1508D variant in the CACNA1A gene has not been reported previously as a pathogenic variant, nor as a benign variant, to our knowledge. The A1508D variant was not observed in approximately 6,100 individuals of European and African American ancestry in the NHLBI Exome Sequencing Project, indicating it is not a common benign variant in these populations. The A1508D variant is a non-conservative amino acid substitution, which is likely to impact secondary protein structure as these residues differ in polarity, charge, size and/or other properties. This substitution occurs at a position that is conserved across species, and in silico analysis predicts this variant is probably damaging to the protein structure/function. The A1508D variant is a strong candidate for a pathogenic variant, however, the possibility it may be a rare benign variant cannot be excluded.